The following is an entry in ClinVar:

ClinVar aggregate classification (germline): Likely benign. Review status: criteria provided, multiple submitters, no conflicts (2 of 4 stars). 3 submissions from 3 submitters: Likely benign (2). 1 of the submissions does not count toward it. Last evaluated 2025-03-03.

Conditions:
Bethlem myopathy 1A. Also called: Bethlem myopathy 1; Bethlem Muscular Dystrophy; MYOPATHY, BENIGN CONGENITAL, WITH CONTRACTURES. Identifiers: Orphanet 610, MedGen CN029274, MONDO:0024530, OMIM 158810.
COL6A3-related disorder. Also called: COL6A3-related disorders; COL6A3-related condition.

Allele frequency attached by ClinVar (database versions not stated): gnomAD 0.00001.
gnomAD v4.1: 6 of 1,614,048 alleles (0.00037%); highest among the groups gnomAD compares: East Asian, 0.0045%; no homozygotes.

Submissions (3):

Labcorp Genetics (formerly Invitae), Labcorp
Classification: Likely benign for Bethlem myopathy 1A. Last evaluated: 2025-03-03. Review status: criteria provided, single submitter. Criteria: Invitae Variant Classification Sherloc (09022015). Collection method: clinical testing. Allele origin: germline.

Blueprint Genetics
Classification: Likely benign. Last evaluated: 2022-09-13. Review status: criteria provided, single submitter. Criteria: ACMG Guidelines, 2015. Collection method: clinical testing. Allele origin: germline.

PreventionGenetics, part of Exact Sciences
Classification: Likely benign for COL6A3-related condition. Last evaluated: 2023-10-02. Review status: no assertion criteria provided. Collection method: clinical testing. Allele origin: germline. Not counted in ClinVar's aggregate classification.
Comment: This variant is classified as likely benign based on ACMG/AMP sequence variant interpretation guidelines (Richards et al. 2015 PMID: 25741868, with internal and published modifications).

NM_004369.4(COL6A3):c.6264G>A (p.Pro2088=)

Gene: COL6A3 (collagen type VI alpha 3 chain; minus strand). Cytogenetic location: 2q37.3.
Variant type: single nucleotide variant.
Coding change: c.6264G>A on transcript NM_004369.4 (MANE Select); coding-DNA position 6264, G replaced by A.
Protein change: p.Pro2088=; no amino-acid change (proline 2088 retained).
Molecular consequence: synonymous variant.
Genome position (GRCh38, 1-based): chr2:237,360,106, C>T on the plus strand (G>A on the coding strand, the complement: COL6A3 is on the minus strand). VCF-style: chr2-237360106-C-T. GRCh37 (hg19) VCF-style: chr2-238268749-C-T.
Other names: c.4443G>A, p.Pro1481= (NM_057166.5); c.5646G>A, p.Pro1882= (NM_057167.4).
Identifiers: ClinVar variation 750672 (VCV000750672.11), dbSNP rs1156803322, ClinGen allele CA431678447.